The following is an entry in ClinVar:

ClinVar aggregate classification (germline): Benign/Likely benign. Review status: criteria provided, multiple submitters, no conflicts (2 of 4 stars). 2 submissions from 2 submitters: Benign (1); Likely benign (1). Last evaluated 2026-02-01.

Allele frequency attached by ClinVar (database versions not stated): gnomAD exomes 0.00033 and 0.00084; gnomAD 0.00385 and 0.00356; TOPMed 0.00405; 1000 Genomes Project 30x 0.00375; 1000 Genomes Project 0.00379; ESP Exome Variant Server 0.00265; ExAC 0.00163.
gnomAD v4.1: 1,021 of 1,553,406 alleles (0.066%); highest among the groups gnomAD compares: African/African-American, 1.2%; 7 homozygotes.

Submissions (2):

CeGaT Center for Human Genetics Tuebingen
Classification: Likely benign. Last evaluated: 2026-02-01. Review status: criteria provided, single submitter. Criteria: CeGaT Center For Human Genetics Tuebingen Variant Classification Criteria Version 2. Collection method: clinical testing. Allele origin: germline. Affected: yes. Observed: 1 variant allele.
Comment: NTRK1: BS1

Labcorp Genetics (formerly Invitae), Labcorp
Classification: Benign. Last evaluated: 2019-12-31. Review status: criteria provided, single submitter. Criteria: Invitae Variant Classification Sherloc (09022015). Collection method: clinical testing. Allele origin: germline.

NM_014215.3(INSRR):c.3663-5A>G

Genes: INSRR (insulin receptor related receptor; minus strand), NTRK1 (neurotrophic receptor tyrosine kinase 1; plus strand). Cytogenetic location: 1q23.1.
Variant type: single nucleotide variant.
Coding change: c.3663-5A>G on transcript NM_014215.3 (MANE Select); 5 bases into the intron before coding-DNA position 3663, A replaced by G.
Molecular consequence: intron variant.
Genome position (GRCh38, 1-based): chr1:156,841,109, T>C on the plus strand (A>G on the coding strand, the complement: INSRR is on the minus strand). VCF-style: chr1-156841109-T-C. GRCh37 (hg19) VCF-style: chr1-156810901-T-C.
Other names: c.10-972T>C (NM_001007792.1).
Identifiers: ClinVar variation 775609 (VCV000775609.10), dbSNP rs373122172, ClinGen allele CA1167575.